The following is an entry in ClinVar:

NM_001378974.1(FBXW11):c.218A>T (p.Asn73Ile)

Gene: FBXW11 (F-box and WD repeat domain containing 11; minus strand). Cytogenetic location: 5q35.1.
Variant type: single nucleotide variant.
Coding change: c.218A>T on transcript NM_001378974.1 (MANE Select); coding-DNA position 218, A replaced by T.
Protein change: p.Asn73Ile; replaces asparagine 73 with isoleucine.
Molecular consequence: missense variant.
Genome position (GRCh38, 1-based): chr5:171,910,790, T>A on the plus strand (A>T on the coding strand, the complement: FBXW11 is on the minus strand). VCF-style: chr5-171910790-T-A. GRCh37 (hg19) VCF-style: chr5-171337794-T-A.
Other names: c.155A>T, p.Asn52Ile (NM_001378975.1, NM_012300.3); c.122A>T, p.Asn41Ile (NM_001378976.1); c.59A>T, p.Asn20Ile (NM_001378977.1, NM_001378978.1, NM_001378979.1); c.53A>T, p.Asn18Ile (NM_001378980.1, NM_033645.3); c.116A>T, p.Asn39Ile (NM_033644.3); short protein forms N18I, N20I, N39I, N41I, N52I, N73I.
Identifiers: ClinVar variation 2444835 (VCV002444835.2), dbSNP rs2480332484, ClinGen allele CA362212094.

ClinVar aggregate classification (germline): Uncertain significance (1 of 4 stars; one submission).

Submission:

GeneDx
Classification: Uncertain significance. Last evaluated: 2026-05-15. Review status: criteria provided, single submitter. Criteria: GeneDx Variant Classification Process June 2021. Collection method: clinical testing. Allele origin: germline.
Comment: Not observed at significant frequency in large population cohorts (gnomAD); In silico analysis supports that this missense variant has a deleterious effect on protein structure/function; Has not been previously published as pathogenic or benign to our knowledge